The following is an entry in ClinVar:

ClinVar aggregate classification (germline): Conflicting classifications of pathogenicity. Review status: criteria provided, conflicting classifications (1 of 4 stars). 8 submissions from 7 submitters: Pathogenic (4); Likely pathogenic (2); Uncertain significance (1). 1 of the submissions does not count toward it. Last evaluated 2025-11-17.

Conditions:
Vitreoretinopathy with phalangeal epiphyseal dysplasia (VPED). Identifiers: MedGen C1852989, MONDO:0031001, OMIM 619248.
Spondyloepiphyseal dysplasia with metatarsal shortening. Also called: CZECH DYSPLASIA, METATARSAL TYPE; SPONDYLOEPIPHYSEAL DYSPLASIA WITH PRECOCIOUS OSTEOARTHRITIS; Pseudorheumatoid dysplasia progressive, with hypoplastic toes. Identifiers: Orphanet 137678, MedGen C1836683, MONDO:0012206, OMIM 609162.
Namaqualand hip dysplasia (OSCDP). Also called: Mild spondyloepiphyseal dysplasia due to COL2A1 mutation with early-onset osteoarthritis. Identifiers: Orphanet 93279, MedGen C0432214, MONDO:0011496, OMIM 604864.
Legg-Calve-Perthes disease. Also called: Osteochondritis deformans; Coxa plana; PERTHES DISEASE; Avascular necrosis of the capital femoral epiphysis. Identifiers: Orphanet 2380, MedGen C1442965, MONDO:0007885, OMIM 150600, HP:0005743.
Achondrogenesis type II (ACG2). Also called: CHONDROGENESIS IMPERFECTA; ACHONDROGENESIS, LANGER-SALDINO TYPE. Identifiers: Orphanet 932, Orphanet 93296, MedGen C0220685, MONDO:0008702, OMIM 200610.
Spondyloepiphyseal dysplasia congenita (SEDC). Also called: SED CONGENITA; SPONDYLOEPIPHYSEAL DYSPLASIA, CONGENITAL TYPE. Identifiers: Orphanet 94068, MedGen C2745959, MONDO:0008471, OMIM 183900.
Kniest dysplasia. Identifiers: Orphanet 485, MedGen C0265279, MONDO:0007987, OMIM 156550.
Spondyloepiphyseal dysplasia, Stanescu type. Also called: SED, STANESCU TYPE; SPONDYLOEPIMETAPHYSEAL DYSPLASIA, STANESCU TYPE. Identifiers: Orphanet 459051, MedGen C4225273, MONDO:0014701, OMIM 616583.
Stickler syndrome, type I, nonsyndromic ocular. Also called: STICKLER SYNDROME, TYPE I, PREDOMINANTLY OCULAR; STICKLER SYNDROME, ATYPICAL. Identifiers: MedGen C1836080, MONDO:0012287, OMIM 609508.
Spondylometaphyseal dysplasia, Schmidt type (SMDALG). Also called: SPONDYLOMETAPHYSEAL DYSPLASIA, ALGERIAN TYPE; SPONDYLOMETAPHYSEAL DYSPLASIA WITH SEVERE GENU VALGUM. Identifiers: Orphanet 93316, MedGen C1866688, MONDO:0008478, OMIM 184253.
Spondyloepimetaphyseal dysplasia, Strudwick type (SEMDSTWK). Also called: DAPPLED METAPHYSIS SYNDROME; STRUDWICK SYNDROME. Identifiers: Orphanet 93346, MedGen C0700635, MONDO:0008476, OMIM 184250.
Platyspondylic dysplasia, Torrance type (PLSDT). Identifiers: Orphanet 85166, MedGen C1835437, MONDO:0007895, OMIM 151210.
Spondyloperipheral dysplasia. Also called: Spondyloperipheral dysplasia-short ulna syndrome; SPONDYLOPERIPHERAL DYSPLASIA WITH SHORT ULNA. Identifiers: Orphanet 1856, MedGen C0796173, MONDO:0010078, OMIM 271700.
Stickler syndrome type 1 (STL1). Also called: STICKLER SYNDROME, MEMBRANOUS VITREOUS TYPE; STICKLER SYNDROME, VITREOUS TYPE 1; ARTHROOPHTHALMOPATHY, HEREDITARY PROGRESSIVE; COL2A1-Related Stickler Syndrome. Identifiers: Orphanet 828, Orphanet 90653, MedGen C2020284, MONDO:0007160, OMIM 108300.
Multiple epiphyseal dysplasia, Beighton type. Identifiers: Orphanet 166011, MedGen C1851536, MONDO:0007562, OMIM 132450.
Avascular necrosis of femoral head, primary, 1 (ANFH1). Also called: Avascular necrosis of femoral head, primary. Identifiers: Orphanet 86820, MedGen C4551562, MONDO:0054550, OMIM 608805.
COL2A1-related disorder. Also called: COL2A1-related condition; COL2A1-related disorders.
Stickler syndrome. Identifiers: Orphanet 828, MedGen C0265253, MONDO:0019354.

Allele frequency attached by ClinVar (database versions not stated): gnomAD 0.00001; TOPMed 0.00001.

Submissions (8):

Labcorp Genetics (formerly Invitae), Labcorp
Classification: Pathogenic. Last evaluated: 2025-11-17. Review status: criteria provided, single submitter. Criteria: Invitae Variant Classification Sherloc (09022015). Collection method: clinical testing. Allele origin: germline.
Comment: This sequence change affects codon 654 of the COL2A1 mRNA. It is a 'silent' change, meaning that it does not change the encoded amino acid sequence of the COL2A1 protein. The frequency data for this variant in the population databases is considered unreliable, as metrics indicate poor data quality at this position in the gnomAD database. This variant has been observed in individual(s) with autosomal dominant Stickler syndrome (PMID: 17437277). It has also been observed to segregate with disease in related individuals. ClinVar contains an entry for this variant (Variation ID: 196618). Studies have shown that this variant is associated with inconclusive levels of altered splicing (PMID: 17437277). For these reasons, this variant has been classified as Pathogenic.

GeneDx
Classification: Likely pathogenic. Last evaluated: 2025-06-11. Review status: criteria provided, single submitter. Criteria: GeneDx Variant Classification Process June 2021. Collection method: clinical testing. Allele origin: germline. Affected: yes.
Comment: Functional studies suggest that c.1962 C>T creates a cryptic splice donor site that results in a 35 bp deletion and translational frameshift when/if used, however, in vivo effect of this variant on splicing was not assessed (PMID: 17437277); Not observed at significant frequency in large population cohorts (gnomAD); In silico analysis supports a deleterious effect on splicing; This variant is associated with the following publications: (PMID: 30245029, 20513134, 18276201, 17437277)

Cambridge Genomics Laboratory, East Genomic Laboratory Hub, NHS Genomic Medicine Service
Classification: Pathogenic for Stickler syndrome. Last evaluated: 2024-05-15. Review status: criteria provided, single submitter. Criteria: ACGS Best Practice Guidelines for Variant Classification in Rare Disease 2020. Collection method: clinical testing. Allele origin: germline. Affected: yes.
Comment: PVS1_Strong,PM2,PP1_Strong,PP4

Blueprint Genetics
Classification: Pathogenic for COL2A1-related disorders. Last evaluated: 2023-06-01. Review status: criteria provided, single submitter. Criteria: ACMG Guidelines, 2015. Collection method: clinical testing. Allele origin: germline. Affected: yes. Observed: 5 variant alleles.

Eurofins Ntd Llc (ga)
Classification: Uncertain significance. Last evaluated: 2015-01-05. Review status: criteria provided, single submitter. Criteria: EGL Classification Definitions 2015. Collection method: clinical testing. Allele origin: germline. Observed: 1 variant allele, 1 heterozygote.

Juno Genomics, Hangzhou Juno Genomics, Inc
Classification: Pathogenic for Multiple epiphyseal dysplasia, Beighton type; Vitreoretinopathy with phalangeal epiphyseal dysplasia; Achondrogenesis type II; Avascular necrosis of femoral head, primary, 1; Spondyloepiphyseal dysplasia with metatarsal shortening; Kniest dysplasia; Legg-Calve-Perthes disease; Namaqualand hip dysplasia; Platyspondylic dysplasia, Torrance type; Spondyloepiphyseal dysplasia congenita; Spondyloepimetaphyseal dysplasia, Strudwick type; Spondyloepiphyseal dysplasia, Stanescu type; Spondyloperipheral dysplasia; Stickler syndrome type 1; Stickler syndrome, type I, nonsyndromic ocular. Review status: criteria provided, single submitter. Criteria: ACMG Guidelines, 2015. Collection method: clinical testing. Allele origin: germline. Affected: yes.
Comment: Absent from controls (or at extremely low frequency if recessive) in Genome Aggregation Database, Exome Sequencing Project, 1000 Genomes Project, or Exome Aggregation Consortium.;Null variant in a gene where loss of function (LOF) is a known mechanism of disease.;Co-segregation with disease in multiple affected family members in a gene definitively known to cause the disease.

Juno Genomics, Hangzhou Juno Genomics, Inc
Classification: Likely pathogenic for Spondyloepiphyseal dysplasia congenita; Spondyloepiphyseal dysplasia, Stanescu type; Spondyloperipheral dysplasia; Stickler syndrome type 1; Stickler syndrome, type I, nonsyndromic ocular; Spondylometaphyseal dysplasia, Schmidt type; Multiple epiphyseal dysplasia, Beighton type; Vitreoretinopathy with phalangeal epiphyseal dysplasia; Achondrogenesis type II; Avascular necrosis of femoral head, primary, 1; Spondyloepimetaphyseal dysplasia, Strudwick type; Spondyloepiphyseal dysplasia with metatarsal shortening; Kniest dysplasia; Legg-Calve-Perthes disease; Namaqualand hip dysplasia; Platyspondylic dysplasia, Torrance type. Review status: criteria provided, single submitter. Criteria: ACMG Guidelines, 2015. Collection method: clinical testing. Allele origin: germline.
Comment: Absent from controls (or at extremely low frequency if recessive) in Genome Aggregation Database.;Co-segregation with disease in multiple affected family members.;Null variant in a gene where loss of function (LOF) is a known mechanism of disease.

PreventionGenetics, part of Exact Sciences
Classification: Likely pathogenic for COL2A1-related condition. Last evaluated: 2024-08-27. Review status: no assertion criteria provided. Collection method: clinical testing. Allele origin: germline. Not counted in ClinVar's aggregate classification.
Comment: The COL2A1 c.1962C>T variant is not predicted to result in an amino acid change (p.=). This variant has been reported in a family with Stickler syndrome and functional studies indicated that this variant affected mRNA splicing and resulted in a premature protein termination (Richards et al. 2007. PubMed ID: 17437277) and found in another patient with deafness (reported as NM_033150:c.1755C>T in Table S3, Azaiez et al. 2018. PubMed ID: 30245029). At PreventionGenetics, we have observed this variant in other patients with a COL2A1-relation condition (internal data). This variant is reported in 0.0032% of alleles in individuals of Latino descent in gnomAD. This variant is interpreted as likely pathogenic.

Literature cited by the submitters: PubMed 17437277 (cited by Labcorp Genetics (formerly Invitae), Labcorp).

NM_001844.5(COL2A1):c.1962C>T (p.Gly654=)

Gene: COL2A1 (collagen type II alpha 1 chain; minus strand). Cytogenetic location: 12q13.11.
Variant type: single nucleotide variant.
Coding change: c.1962C>T on transcript NM_001844.5 (MANE Select); coding-DNA position 1962, C replaced by T.
Protein change: p.Gly654=; no amino-acid change (glycine 654 retained).
Molecular consequence: synonymous variant.
Genome position (GRCh38, 1-based): chr12:47,983,716, G>A on the plus strand (C>T on the coding strand, the complement: COL2A1 is on the minus strand). VCF-style: chr12-47983716-G-A. GRCh37 (hg19) VCF-style: chr12-48377499-G-A.
Other names: c.1755C>T, p.Gly585= (NM_033150.3).
Identifiers: ClinVar variation 196618 (VCV000196618.20), dbSNP rs794727533, ClinGen allele CA243640.
Genomic context (GRCh38, chr12:47,983,716, plus strand): 5'-CACAGAGAGCCTGGTCCAGCCACCTACCTGGAACCCAGATGGCCCAGGAGCACCCTGCTC[G>A]CCTCGTTCACCAGCAGGTCCCTGCAGTGGAAAAGAAAAGGTGAGCTGAGCCAGTGTTCCA-3'
Protein context (NP_001835.3, residues 644-664): PGPAGPAGER[Gly654=]EQGAPGPSGF